The following is an entry in ClinVar:

ClinVar aggregate classification (germline): Likely benign (1 of 4 stars; one submission).

gnomAD v4.1: 5,272 of 1,613,670 alleles (0.33%); highest among the groups gnomAD compares: Non-Finnish European, 0.39%; 19 homozygotes.

Submission:

CeGaT Center for Human Genetics Tuebingen
Classification: Likely benign. Last evaluated: 2025-02-01. Review status: criteria provided, single submitter. Criteria: CeGaT Center For Human Genetics Tuebingen Variant Classification Criteria Version 2. Collection method: clinical testing. Allele origin: germline. Affected: yes. Observed: 1 variant allele.
Comment: HNRNPH1: BP4, BP7, BS2

NM_001257293.2(HNRNPH1):c.828C>T (p.Tyr276=)

Genes: HNRNPH1 (heterogeneous nuclear ribonucleoprotein H1; minus strand), LOC128966623 (uncharacterized LOC128966623; plus strand). Cytogenetic location: 5q35.3.
Variant type: single nucleotide variant.
Coding change: c.828C>T on transcript NM_001257293.2 (MANE Select); coding-DNA position 828, C replaced by T.
Protein change: p.Tyr276=; no amino-acid change (tyrosine 276 retained).
Molecular consequence: synonymous variant.
Genome position (GRCh38, 1-based): chr5:179,617,892, G>A on the plus strand (C>T on the coding strand, the complement: HNRNPH1 is on the minus strand). VCF-style: chr5-179617892-G-A. GRCh37 (hg19) VCF-style: chr5-179044893-G-A.
Other names: c.828C>T, p.Tyr276= (NM_001363572.2, NM_001364225.2, NM_001364226.2 and 27 more transcripts); c.807C>T, p.Tyr269= (NM_001364240.2, NM_001364241.2, NM_001364242.2 and 6 more transcripts); c.672C>T, p.Tyr224= (NM_001364250.2); c.225C>T, p.Tyr75= (NM_001364251.2, NM_001364252.2, NM_001364253.2 and 4 more transcripts); c.597C>T, p.Tyr199= (NM_001395190.1); c.510C>T, p.Tyr170= (NM_001395191.1, NM_001395192.1); c.417C>T, p.Tyr139= (NM_001395193.1).
Identifiers: ClinVar variation 3770484 (VCV003770484.13).